The following is an entry in ClinVar:

ClinVar aggregate classification (germline): Likely pathogenic (1 of 4 stars; one submission).

Conditions:
Duchenne muscular dystrophy (DMD). Also called: Duchenne Muscular Dystrophy (DMD); MUSCULAR DYSTROPHY, PSEUDOHYPERTROPHIC PROGRESSIVE, DUCHENNE TYPE. Identifiers: Orphanet 98896, MedGen C0013264, MONDO:0010679, OMIM 310200.

Submission:

Labcorp Genetics (formerly Invitae), Labcorp
Classification: Likely pathogenic for Duchenne muscular dystrophy. Last evaluated: 2021-08-26. Review status: criteria provided, single submitter. Criteria: Invitae Variant Classification Sherloc (09022015). Collection method: clinical testing. Allele origin: germline.
Comment: This variant results in a copy number gain of the genomic region encompassing exon(s) 45-48 of the DMD gene. While the exact position of this variant cannot be determined from the data, sub-genic copy number gains are generally in tandem (PMID: 25640679). This variant is predicted to be in-frame, and likely preserves the integrity of the reading frame. A similar copy number variant has been observed in individuals with DMD-related conditions and/or Duchenne muscular dystrophy or Becker muscular dystrophy (PMID: 17259292, 17561468, 33101180). In summary, the currently available evidence indicates that the variant is pathogenic, but additional data are needed to prove that conclusively. Therefore, this variant has been classified as Likely Pathogenic.

Literature cited by the submitters: PubMed 25640679; PubMed 17259292; PubMed 17561468; PubMed 33101180.

NC_000023.10:g.(?_31893295)_(31986641_?)dup

Gene: DMD (dystrophin; minus strand). Cytogenetic location: Xp21.1.
Variant type: Duplication.
Identifiers: ClinVar variation 1511349 (VCV001511349.4).